The following is an entry in ClinVar:

ClinVar aggregate classification (germline): Uncertain significance (1 of 4 stars; one submission).

Submission:

Labcorp Genetics (formerly Invitae), Labcorp
Classification: Uncertain significance. Last evaluated: 2023-10-23. Review status: criteria provided, single submitter. Criteria: Invitae Variant Classification Sherloc (09022015). Collection method: clinical testing. Allele origin: germline.
Comment: This sequence change creates a premature translational stop signal (p.Val197Argfs*3) in the IKZF1 gene. It is expected to result in an absent or disrupted protein product. However, the current clinical and genetic evidence is not sufficient to establish whether loss-of-function variants in IKZF1 cause disease. This variant is not present in population databases (gnomAD no frequency). This variant has not been reported in the literature in individuals affected with IKZF1-related conditions. In summary, the available evidence is currently insufficient to determine the role of this variant in disease. Therefore, it has been classified as a Variant of Uncertain Significance.

NM_006060.6(IKZF1):c.588dup (p.Val197fs)

Gene: IKZF1 (IKAROS family zinc finger 1; plus strand). Cytogenetic location: 7p12.2.
Variant type: Duplication.
Coding change: c.588dup on transcript NM_006060.6 (MANE Select); coding-DNA position 588, one base duplicated (C; older notation c.588dupC).
Protein change: p.Val197fs; shifts the reading frame from valine 197.
Molecular consequence: frameshift variant. On other transcripts: intron variant (6).
Genome position (GRCh38, 1-based): chr7:50,382,706, C duplicated; the last of 2 consecutive C bases (chr7:50,382,705-50,382,706); duplicating either gives the same sequence. VCF-style (leftmost placement, unchanged base first): chr7-50382704-T-TC. GRCh37 (hg19) VCF-style: chr7-50450402-T-TC.
Other names: c.327dup, p.Val110fs (NM_001220770.2, NM_001291838.2, NM_001291839.2 and 1 more transcripts); c.588dup, p.Val197fs (NM_001291837.2, NM_001220765.3); c.648dup, p.Val217fs (NM_001410879.1); c.421+5913dup (NM_001220771.2); c.161-4639dup (NM_001291841.1, NM_001291842.1); c.161-9023dup (NM_001291843.1, NM_001291844.1); c.161-17212dup (NM_001291840.1); c.588dup, p.Gly197fs (NM_001220768.2); short protein forms G197fs, V197fs, V217fs, V110fs.
Identifiers: ClinVar variation 2771438 (VCV002771438.3), dbSNP rs2538292027, ClinGen allele CA2697557261.
Genomic context (GRCh38, chr7:50,382,704, plus strand): 5'-CACCTCTGCAACTACGCCTGCCGCCGGAGGGACGCCCTCACTGGCCACCTGAGGACGCAC[T>TC]CCGGTAGGTCCCCTGGATGCAGTCCGGGGCTGTCTGGGTGTCCCGGGATTCCTCCACTCT-3'